The following is an entry in ClinVar:

ClinVar aggregate classification (germline): Uncertain significance (1 of 4 stars; one submission).

gnomAD v4.1: 23 of 1,550,220 alleles (0.0015%); highest among the groups gnomAD compares: Middle Eastern, 0.033%; no homozygotes.

Submission:

Ambry Genetics
Classification: Uncertain significance. Last evaluated: 2025-06-18. Review status: criteria provided, single submitter. Criteria: Ambry Variant Classification Scheme 2023. Collection method: clinical testing. Allele origin: germline.
Comment: The c.2464G>A (p.V822I) alteration is located in exon (coding exon ) of the PARG gene. This alteration results from a G to A substitution at nucleotide position 2464, causing the valine (V) at amino acid position 822 to be replaced by an isoleucine (I). Based on insufficient or conflicting evidence, the clinical significance of this alteration remains unclear.

NM_003631.5(PARG):c.2464G>A (p.Val822Ile)

Gene: PARG (poly(ADP-ribose) glycohydrolase; minus strand). Cytogenetic location: 10q11.23.
Variant type: single nucleotide variant.
Coding change: c.2464G>A on transcript NM_003631.5 (MANE Select); coding-DNA position 2464, G replaced by A.
Protein change: p.Val822Ile; replaces valine 822 with isoleucine.
Molecular consequence: missense variant. On other transcripts: non-coding transcript variant (7).
Genome position (GRCh38, 1-based): chr10:49,842,027, C>T on the plus strand (G>A on the coding strand, the complement: PARG is on the minus strand). VCF-style: chr10-49842027-C-T. GRCh37 (hg19) VCF-style: chr10-51050073-C-T.
Other names: c.2218G>A, p.Val740Ile (NM_001303486.3, NM_001324381.3); c.2140G>A, p.Val714Ile (NM_001303487.3); c.1222G>A, p.Val408Ile (NM_001303489.3); short protein forms V408I, V714I, V740I, V822I.
Identifiers: ClinVar variation 4130992 (VCV004130992.1).
Genomic context (GRCh38, chr10:49,842,027, plus strand): 5'-TCATTTTCTCAGGCACAAACTGATCGAGGTAGCGTCTGAAGTGAAGAGCATCGATGGCAA[C>T]GATCTCAGTGCAGCGCCGCTGCCAGTCGTCCCTGGGACAGGAAGGAAAGGGGAGAAAAGA-3'
Protein context (NP_003622.2, residues 812-832): DDWQRRCTEI[Val822Ile]AIDALHFRRY